The following is an entry in ClinVar:

ClinVar aggregate classification (germline): Pathogenic (1 of 4 stars; one submission).

Conditions:
PURA-related severe neonatal hypotonia-seizures-encephalopathy syndrome (NEDRIHF). Also called: NEURODEVELOPMENTAL DISORDER WITH NEONATAL RESPIRATORY INSUFFICIENCY, HYPOTONIA, AND FEEDING DIFFICULTIES; PURA-Related Neurodevelopmental Disorders. Identifiers: Orphanet 438213, Orphanet 438216, MedGen C4015357, MONDO:1060108, OMIM 616158, MONDO:0018580.

Submission:

Institute of Human Genetics, University of Leipzig Medical Center
Classification: Pathogenic for PURA-related severe neonatal hypotonia-seizures-encephalopathy syndrome. Last evaluated: 2024-07-22. Review status: criteria provided, single submitter. Criteria: ACMG Guidelines, 2015. Collection method: clinical testing. Allele origin: unknown. Inheritance: Autosomal dominant inheritance. Affected: yes.
Comment: Criteria applied: PVS1,PM2

NM_005859.5(PURA):c.723_736dup (p.Val246fs)

Gene: PURA (purine rich element binding protein A; plus strand). Cytogenetic location: 5q31.3.
Variant type: Duplication.
Coding change: c.723_736dup on transcript NM_005859.5 (MANE Select); coding-DNA positions 723 to 736, 14 bases duplicated (CGTGTTTATGCGAG).
Protein change: p.Val246fs; shifts the reading frame from valine 246.
Molecular consequence: frameshift variant.
Genome position (GRCh38, 1-based): chr5:140,114,904-140,114,917, CGTGTTTATGCGAG duplicated; duplicating any 14 consecutive bases within chr5:140,114,903-140,114,917 gives the same sequence; the c. name uses the placement nearest the transcript's 3' end. VCF-style (leftmost placement, unchanged base first): chr5-140114902-G-GGCGTGTTTATGCGA. GRCh37 (hg19) VCF-style: chr5-139494487-G-GGCGTGTTTATGCGA.
Other names: short protein forms V246fs.
Identifiers: ClinVar variation 3359084 (VCV003359084.2).